The following is an entry in ClinVar:

NM_001348800.3(ZBTB20):c.1135G>A (p.Val379Ile)

Gene: ZBTB20 (zinc finger and BTB domain containing 20; minus strand). Cytogenetic location: 3q13.31.
Variant type: single nucleotide variant.
Coding change: c.1135G>A on transcript NM_001348800.3 (MANE Select); coding-DNA position 1135, G replaced by A.
Protein change: p.Val379Ile; replaces valine 379 with isoleucine.
Molecular consequence: missense variant.
Genome position (GRCh38, 1-based): chr3:114,350,943, C>T on the plus strand (G>A on the coding strand, the complement: ZBTB20 is on the minus strand). VCF-style: chr3-114350943-C-T. GRCh37 (hg19) VCF-style: chr3-114069790-C-T.
Other names: c.916G>A, p.Val306Ile (NM_001164344.4, NM_001164345.4, NM_001164346.2 and 9 more transcripts); c.1135G>A, p.Val379Ile (NM_001348803.3, NM_001393393.1, NM_001393394.1 and 1 more transcripts); short protein forms V306I, V379I.
Identifiers: ClinVar variation 3610465 (VCV003610465.2).

ClinVar aggregate classification (germline): Uncertain significance (1 of 4 stars; one submission).

gnomAD v4.1: 6 of 1,605,902 alleles (0.00037%); highest among the groups gnomAD compares: Non-Finnish European, 0.00051%; no homozygotes.

Submission:

Labcorp Genetics (formerly Invitae), Labcorp
Classification: Uncertain significance. Last evaluated: 2024-02-08. Review status: criteria provided, single submitter. Criteria: Invitae Variant Classification Sherloc (09022015). Collection method: clinical testing. Allele origin: germline.
Comment: This sequence change replaces valine, which is neutral and non-polar, with isoleucine, which is neutral and non-polar, at codon 379 of the ZBTB20 protein (p.Val379Ile). This variant is not present in population databases (gnomAD no frequency). This variant has not been reported in the literature in individuals affected with ZBTB20-related conditions. Advanced modeling of protein sequence and biophysical properties (such as structural, functional, and spatial information, amino acid conservation, physicochemical variation, residue mobility, and thermodynamic stability) has been performed at Invitae for this missense variant, however the output from this modeling did not meet the statistical confidence thresholds required to predict the impact of this variant on ZBTB20 protein function. In summary, the available evidence is currently insufficient to determine the role of this variant in disease. Therefore, it has been classified as a Variant of Uncertain Significance.